The following is an entry in ClinVar:

NM_015139.3(SLC35D1):c.376A>G (p.Ser126Gly)

Gene: SLC35D1 (solute carrier family 35 member D1; minus strand). Cytogenetic location: 1p31.3.
Variant type: single nucleotide variant.
Coding change: c.376A>G on transcript NM_015139.3 (MANE Select); coding-DNA position 376, A replaced by G.
Protein change: p.Ser126Gly; replaces serine 126 with glycine.
Molecular consequence: missense variant.
Genome position (GRCh38, 1-based): chr1:67,052,028, T>C on the plus strand (A>G on the coding strand, the complement: SLC35D1 is on the minus strand). VCF-style: chr1-67052028-T-C. GRCh37 (hg19) VCF-style: chr1-67517711-T-C.
Other names: short protein forms S126G.
Identifiers: ClinVar variation 1381973 (VCV001381973.6), dbSNP rs2102375722, ClinGen allele CA340707287.
Genomic context (GRCh38, chr1:67,052,028, plus strand): 5'-AATACATTATATTAACCTCACTAGTAAAATAAAGTTATCCATACTTCAGTTTCTTTGTGC[T>C]GAACAGTCCCGTGATTTGGTTCCCAAAATATAGTAGAGGTAGTGGAAACGTCTAGAAAAT-3'
Protein context (NP_055954.1, residues 116-136): YFGNQITGLF[Ser126Gly]TKKLNLPMFT

ClinVar aggregate classification (germline): Uncertain significance (1 of 4 stars; one submission).

Conditions:
Schneckenbecken dysplasia. Identifiers: Orphanet 3144, MedGen C0432194, MONDO:0010013, OMIM 269250.

Allele frequency attached by ClinVar (database versions not stated): gnomAD exomes below 0.00001.
gnomAD v4.1: 1 of 1,609,148 alleles (0.000062%); highest among the groups gnomAD compares: Non-Finnish European, 0.000085%; no homozygotes.

Submission:

Labcorp Genetics (formerly Invitae), Labcorp
Classification: Uncertain significance for Schneckenbecken dysplasia. Last evaluated: 2021-11-27. Review status: criteria provided, single submitter. Criteria: Invitae Variant Classification Sherloc (09022015). Collection method: clinical testing. Allele origin: germline.
Comment: In summary, the available evidence is currently insufficient to determine the role of this variant in disease. Therefore, it has been classified as a Variant of Uncertain Significance. Algorithms developed to predict the effect of missense changes on protein structure and function (SIFT, PolyPhen-2, Align-GVGD) all suggest that this variant is likely to be tolerated. This variant has not been reported in the literature in individuals affected with SLC35D1-related conditions. This variant is not present in population databases (gnomAD no frequency). This sequence change replaces serine, which is neutral and polar, with glycine, which is neutral and non-polar, at codon 126 of the SLC35D1 protein (p.Ser126Gly).